The following is an entry in ClinVar:

NM_138694.4(PKHD1):c.*3044A>T

Gene: PKHD1 (PKHD1 ciliary IPT domain containing fibrocystin/polyductin; minus strand). Cytogenetic location: 6p12.3.
Variant type: single nucleotide variant.
Coding change: c.*3044A>T on transcript NM_138694.4 (MANE Select); 3044 bases downstream of the stop codon, A replaced by T.
Molecular consequence: 3 prime UTR variant.
Genome position (GRCh38, 1-based): chr6:51,616,037, T>A on the plus strand (A>T on the coding strand, the complement: PKHD1 is on the minus strand). VCF-style: chr6-51616037-T-A. GRCh37 (hg19) VCF-style: chr6-51480835-T-A.
Identifiers: ClinVar variation 908895 (VCV000908895.5), dbSNP rs41273712, ClinGen allele CA138870972.

ClinVar aggregate classification (germline): Likely benign. Review status: criteria provided, multiple submitters, no conflicts (2 of 4 stars). 2 submissions from 2 submitters: Likely benign (2). Last evaluated 2018-01-13.

Conditions:
Autosomal recessive polycystic kidney disease (ARPKD). Also called: AR polycystic kidney disease. Identifiers: Orphanet 731, Orphanet 8378, MedGen C0085548, MeSH D017044, MONDO:0009889.

Allele frequency attached by ClinVar (database versions not stated): 1000 Genomes Project 0.01218; 1000 Genomes Project 30x 0.01249; gnomAD 0.01719 and 0.01744; TOPMed 0.01732.

Submissions (2):

Illumina Laboratory Services, Illumina
Classification: Likely benign for Polycystic kidney disease 4. Last evaluated: 2018-01-13. Review status: criteria provided, single submitter. Criteria: ICSL Variant Classification Criteria 13 December 2019. Collection method: clinical testing. Allele origin: germline.
Comment: This variant was observed in the ICSL laboratory as part of a predisposition screen in an ostensibly healthy population. It had not been previously curated by ICSL or reported in the Human Gene Mutation Database (HGMD: prior to June 1st, 2018), and was therefore a candidate for classification through an automated scoring system. Utilizing variant allele frequency, disease prevalence and penetrance estimates, and inheritance mode, an automated score was calculated to assess if this variant is too frequent to cause the disease. Based on the score and internal cut-off values, a variant classified as likely benign is not then subjected to further curation. The score for this variant resulted in a classification of likely benign for this disease.

Breakthrough Genomics
Classification: Likely benign. Review status: criteria provided, single submitter. Criteria: ACMG Guidelines, 2015. Collection method: not provided. Allele origin: germline. Inheritance: Autosomal recessive inheritance. Affected: yes.